The following is an entry in ClinVar:

ClinVar aggregate classification (germline): Uncertain significance. Review status: criteria provided, multiple submitters, no conflicts (2 of 4 stars). 3 submissions from 3 submitters: Uncertain significance (3). Last evaluated 2025-11-11.

Conditions:
Hypomagnesemia, seizures, and impaired intellectual development 1. Also called: Hypomagnesemia, seizures, and intellectual disability 1. Identifiers: Orphanet 34527, MedGen C4225333, MONDO:0020787, OMIM 616418.
Renal hypomagnesemia 6. Identifiers: Orphanet 34527, MedGen C3151295, MONDO:0013480, OMIM 613882.

gnomAD v4.1: 8 of 1,614,180 alleles (0.0005%); highest among the groups gnomAD compares: Non-Finnish European, 0.00068%; no homozygotes.

Submissions (3):

Labcorp Genetics (formerly Invitae), Labcorp
Classification: Uncertain significance. Last evaluated: 2025-11-11. Review status: criteria provided, single submitter. Criteria: Invitae Variant Classification Sherloc (09022015). Collection method: clinical testing. Allele origin: germline.
Comment: This sequence change replaces glycine, which is neutral and non-polar, with glutamic acid, which is acidic and polar, at codon 486 of the CNNM2 protein (p.Gly486Glu). This variant is not present in population databases (gnomAD no frequency). This variant has not been reported in the literature in individuals affected with CNNM2-related conditions. ClinVar contains an entry for this variant (Variation ID: 3362754). Invitae Evidence Modeling of protein sequence and biophysical properties (such as structural, functional, and spatial information, amino acid conservation, physicochemical variation, residue mobility, and thermodynamic stability) indicates that this missense variant is not expected to disrupt CNNM2 protein function with a negative predictive value of 80%. In summary, the available evidence is currently insufficient to determine the role of this variant in disease. Therefore, it has been classified as a Variant of Uncertain Significance.

Genomic Medicine Center of Excellence, King Faisal Specialist Hospital and Research Centre
Classification: Uncertain significance for Hypomagnesemia, seizures, and impaired intellectual development 1. Last evaluated: 2024-09-22. Review status: criteria provided, single submitter. Criteria: ACMG Guidelines, 2015. Collection method: clinical testing. Allele origin: germline.

Fulgent Genetics
Classification: Uncertain significance for Renal hypomagnesemia 6; Hypomagnesemia, seizures, and impaired intellectual development 1. Last evaluated: 2024-02-12. Review status: criteria provided, single submitter. Criteria: ACMG Guidelines, 2015. Collection method: clinical testing. Allele origin: germline.

NM_017649.5(CNNM2):c.1457G>A (p.Gly486Glu)

Gene: CNNM2 (cyclin and CBS domain divalent metal cation transport mediator 2; plus strand). Cytogenetic location: 10q24.32.
Variant type: single nucleotide variant.
Coding change: c.1457G>A on transcript NM_017649.5 (MANE Select); coding-DNA position 1457, G replaced by A.
Protein change: p.Gly486Glu; replaces glycine 486 with glutamic acid.
Molecular consequence: missense variant.
Genome position (GRCh38, 1-based): chr10:102,919,937, G>A. VCF-style: chr10-102919937-G-A. GRCh37 (hg19) VCF-style: chr10-104679694-G-A.
Other names: c.1457G>A, p.Gly486Glu (NM_199076.3, NM_199077.3); short protein forms G486E.
Identifiers: ClinVar variation 3362754 (VCV003362754.3).